The following is an entry in ClinVar:

ClinVar aggregate classification (germline): Likely pathogenic. Review status: criteria provided, multiple submitters, no conflicts (2 of 4 stars). 3 submissions from 3 submitters: Likely pathogenic (3). Last evaluated 2024-05-31.

Conditions:
Neurofibromatosis, type 1 (NF1). Also called: NEUROFIBROMATOSIS, TYPE I, SOMATIC; VON RECKLINGHAUSEN DISEASE; Peripheral type neurofibromatosis; Neurofibromatosis, type I. Identifiers: Orphanet 636, MedGen C0027831, MONDO:0018975, OMIM 162200. Disease mechanism: loss of function.

Submissions (3):

Labcorp Genetics (formerly Invitae), Labcorp
Classification: Likely pathogenic for Neurofibromatosis, type 1. Last evaluated: 2024-05-31. Review status: criteria provided, single submitter. Criteria: Invitae Variant Classification Sherloc (09022015). Collection method: clinical testing. Allele origin: germline.
Comment: This sequence change affects a donor splice site in intron 55 of the NF1 gene. It is expected to disrupt RNA splicing. Variants that disrupt the donor or acceptor splice site typically lead to a loss of protein function (PMID: 16199547), and loss-of-function variants in NF1 are known to be pathogenic (PMID: 10712197, 23913538). This variant is not present in population databases (gnomAD no frequency). Disruption of this splice site has been observed in individual(s) with neurofibromatosis type 1 (PMID: 22190595). ClinVar contains an entry for this variant (Variation ID: 547701). Algorithms developed to predict the effect of sequence changes on RNA splicing suggest that this variant may disrupt the consensus splice site. In summary, the currently available evidence indicates that the variant is pathogenic, but additional data are needed to prove that conclusively. Therefore, this variant has been classified as Likely Pathogenic.

Genome-Nilou Lab
Classification: Likely pathogenic for Neurofibromatosis, type 1. Last evaluated: 2022-03-15. Review status: criteria provided, single submitter. Criteria: ACMG Guidelines, 2015. Collection method: clinical testing. Allele origin: germline. Affected: no.

Center for Human Genetics, Inc
Classification: Likely pathogenic for Neurofibromatosis, type 1. Last evaluated: 2016-11-01. Review status: criteria provided, single submitter. Criteria: ACMG Guidelines, 2015. Collection method: clinical testing. Allele origin: germline. Affected: yes.

Literature cited by the submitters: PubMed 16199547 (cited by Labcorp Genetics (formerly Invitae), Labcorp); PubMed 10712197 (cited by Labcorp Genetics (formerly Invitae), Labcorp); PubMed 23913538 (cited by Labcorp Genetics (formerly Invitae), Labcorp); PubMed 22190595 (cited by Labcorp Genetics (formerly Invitae), Labcorp).

NM_001042492.3(NF1):c.8160+1G>A

Gene: NF1 (neurofibromin 1; plus strand). Cytogenetic location: 17q11.2.
Variant type: single nucleotide variant.
Coding change: c.8160+1G>A on transcript NM_001042492.3 (MANE Select); the canonical splice donor site of the intron after coding-DNA position 8160, G replaced by A.
Molecular consequence: splice donor variant.
Genome position (GRCh38, 1-based): chr17:31,359,016, G>A. VCF-style: chr17-31359016-G-A. GRCh37 (hg19) VCF-style: chr17-29686034-G-A.
Other names: c.8097+1G>A (NM_000267.4).
Identifiers: ClinVar variation 547701 (VCV000547701.9), dbSNP rs1555537032, ClinGen allele CA399204263.